The following is an entry in ClinVar:

NM_058216.3(RAD51C):c.859A>G (p.Thr287Ala)

Gene: RAD51C (RAD51 paralog C; plus strand). Cytogenetic location: 17q22.
Variant type: single nucleotide variant.
Coding change: c.859A>G on transcript NM_058216.3 (MANE Select); coding-DNA position 859, A replaced by G.
Protein change: p.Thr287Ala; replaces threonine 287 with alanine.
Molecular consequence: missense variant. On other transcripts: non-coding transcript variant (1).
Genome position (GRCh38, 1-based): chr17:58,720,767, A>G. VCF-style: chr17-58720767-A-G. GRCh37 (hg19) VCF-style: chr17-56798128-A-G.
Other names: p.T287A:ACA>GCA; short protein forms T287A.
Identifiers: ClinVar variation 132702 (VCV000132702.101), dbSNP rs28363317, ClinGen allele CA294273.
Genomic context (GRCh38, chr17:58,720,767, plus strand): 5'-AAGAGACTCACCTAATTTTCTTACATTTTGTTTTTGTAGGTAATTTTAACCAATCAGATG[A>G]CAACAAAGATTGATAGAAATCAGGCCTTGCTTGTTCCTGCATTAGGTGGGTAATTAATCA-3'
Protein context (NP_478123.1, residues 277-297): RLAVILTNQM[Thr287Ala]TKIDRNQALL

ClinVar aggregate classification (germline): Benign/Likely benign. Review status: criteria provided, multiple submitters, no conflicts (2 of 4 stars). 33 submissions from 32 submitters: Benign (18); Likely benign (4). 11 of the submissions do not count toward it. Last evaluated 2026-09-01.

Conditions:
RAD51C-related disorder. Also called: RAD51C-related disorders; RAD51C-related condition.
Breast and/or ovarian cancer. Identifiers: MedGen CN221562.
Hereditary cancer-predisposing syndrome. Also called: Neoplastic Syndromes, Hereditary; Tumor predisposition; Hereditary neoplastic syndrome; Hereditary Cancer Syndrome. Identifiers: Orphanet 140162, MedGen C0027672, MeSH D009386, MONDO:0015356.
Hereditary breast ovarian cancer syndrome. Also called: Breast and ovarian cancer; BRCA1- and BRCA2-Associated Hereditary Breast and Ovarian Cancer; Hereditary breast and/or ovarian cancer syndrome; Hereditary breast and ovarian cancer syndrome; Hereditary breast and ovarian cancer; Hereditary breast and ovarian cancer syndrome (HBOC). Identifiers: Orphanet 145, MedGen C0677776, MeSH D061325, MONDO:0003582. Disease mechanism: loss of function.
Breast-ovarian cancer, familial, susceptibility to, 3. Also called: RAD51C-Related Breast/Ovarian Cancer. Identifiers: Orphanet 145, MedGen C3150659, MONDO:0013253, OMIM 613399.
Fanconi anemia complementation group O. Also called: RAD51C-Related Fanconi Anemia. Identifiers: Orphanet 84, MedGen C3150653, MONDO:0013248, OMIM 613390.
Malignant tumor of breast. Also called: Malignant breast neoplasm; Cancer breast. Identifiers: MedGen C0006142, MONDO:0007254. Disease mechanism: loss of function.

Allele frequency attached by ClinVar (database versions not stated): 1000 Genomes Project 0.00399; 1000 Genomes Project 30x 0.00453; ExAC 0.00546; gnomAD exomes 0.00560 and 0.00911; gnomAD 0.00625 and 0.00653; TOPMed 0.00678; ESP Exome Variant Server 0.00784.
gnomAD v4.1: 14,196 of 1,612,322 alleles (0.88%); highest among the groups gnomAD compares: Non-Finnish European, 1.1%; 80 homozygotes.

Submissions 1 to 23 of 33:

CeGaT Center for Human Genetics Tuebingen
Classification: Benign. Last evaluated: 2026-09-01. Review status: criteria provided, single submitter. Criteria: CeGaT Center For Human Genetics Tuebingen Variant Classification Criteria Version 2. Collection method: clinical testing. Allele origin: germline. Affected: yes. Observed: 88 variant alleles.
Comment: RAD51C: BS1, BS2

Labcorp Genetics (formerly Invitae), Labcorp
Classification: Benign for Fanconi anemia complementation group O. Last evaluated: 2026-02-04. Review status: criteria provided, single submitter. Criteria: Invitae Variant Classification Sherloc (09022015). Collection method: clinical testing. Allele origin: germline.

Mayo Clinic Laboratories, Mayo Clinic
Classification: Likely benign. Last evaluated: 2025-10-23. Review status: criteria provided, single submitter. Criteria: ACMG Guidelines, 2015. Collection method: clinical testing. Allele origin: germline. Observed: 21 variant alleles.
Comment: BS1, BP4_moderate

Laboratorio de I+D, Fundación Centro Médico de Asturias
Classification: Benign for Hereditary breast ovarian cancer syndrome. Last evaluated: 2025-07-17. Review status: criteria provided, single submitter. Criteria: ACMG Guidelines, 2015. Collection method: clinical testing. Allele origin: germline.
Comment: BS1+BS2+BP1

ARUP Laboratories, Molecular Genetics and Genomics, ARUP Laboratories
Classification: Benign. Last evaluated: 2025-05-23. Review status: criteria provided, single submitter. Criteria: ARUP Molecular Germline Variant Investigation Process 2024. Collection method: clinical testing. Allele origin: germline.

Center for Genomic Medicine, Rigshospitalet, Copenhagen University Hospital
Classification: Benign. Last evaluated: 2025-03-04. Review status: criteria provided, single submitter. Criteria: ACMG Guidelines, 2015. Collection method: clinical testing. Allele origin: germline.

KCCC/NGS Laboratory, Kuwait Cancer Control Center
Classification: Benign for Breast-ovarian cancer, familial, susceptibility to, 3. Last evaluated: 2025-02-01. Review status: criteria provided, single submitter. Criteria: ACMG Guidelines, 2015. Collection method: clinical testing. Allele origin: germline. Affected: no.

Blueprint Genetics
Classification: Likely benign. Last evaluated: 2024-11-27. Review status: criteria provided, single submitter. Criteria: ACMG Guidelines, 2015. Collection method: clinical testing. Allele origin: germline.

Myriad Genetics, Inc.
Classification: Benign for Breast-ovarian cancer, familial, susceptibility to, 3. Last evaluated: 2023-04-06. Review status: criteria provided, single submitter. Criteria: Myriad Autosomal Dominant, Autosomal Recessive and X-Linked Classification Criteria (2023). Collection method: clinical testing. Allele origin: unknown.
Comment: This variant is considered benign. This variant has been observed at a population frequency that is significantly greater than expected given the associated disease prevalence and penetrance. This variant is strongly associated with less severe personal and family histories of cancer, typical for individuals without pathogenic variants in this gene [PMID: 25085752].

Quest Diagnostics Nichols Institute San Juan Capistrano
Classification: Benign. Last evaluated: 2022-06-17. Review status: criteria provided, single submitter. Criteria: Quest Diagnostics criteria. Collection method: clinical testing. Allele origin: unknown.

CHEO Genetics Diagnostic Laboratory, Children's Hospital of Eastern Ontario
Classification: Benign for Breast and/or ovarian cancer. Last evaluated: 2022-02-28. Review status: criteria provided, single submitter. Criteria: ACMG Guidelines, 2015. Collection method: clinical testing. Allele origin: germline.

Sema4
Classification: Benign for Hereditary cancer-predisposing syndrome. Last evaluated: 2021-05-12. Review status: criteria provided, single submitter. Criteria: Sema4 Curation Guidelines. Collection method: curation. Allele origin: germline.

Color Diagnostics, LLC DBA Color Health
Classification: Benign for Hereditary cancer-predisposing syndrome. Last evaluated: 2020-12-10. Review status: criteria provided, single submitter. Criteria: ACMG Guidelines, 2015. Collection method: clinical testing. Allele origin: germline.

Mendelics
Classification: Benign for Fanconi anemia complementation group O. Last evaluated: 2019-05-28. Review status: criteria provided, single submitter. Criteria: Mendelics Assertion Criteria 2017. Collection method: clinical testing. Allele origin: unknown.

Eurofins Ntd Llc (ga)
Classification: Benign. Last evaluated: 2018-08-07. Review status: criteria provided, single submitter. Criteria: EGL ClinVar v180209 classification definitions. Collection method: clinical testing. Allele origin: germline. Observed: 1 variant allele, 1 heterozygote.

Genetic Services Laboratory, University of Chicago
Classification: Benign. Last evaluated: 2017-06-05. Review status: criteria provided, single submitter. Criteria: ACMG Guidelines, 2015. Collection method: clinical testing. Allele origin: germline. Affected: no.

Center for Pediatric Genomic Medicine, Children's Mercy Hospital and Clinics
Classification: Likely benign. Last evaluated: 2016-10-10. Review status: criteria provided, single submitter. Criteria: ACMG Guidelines, 2015. Collection method: clinical testing. Allele origin: germline.
ClinVar note: Converted during submission from Likely Benign to Likely benign.

Women's Health and Genetics/Laboratory Corporation of America, LabCorp
Classification: Benign. Last evaluated: 2016-05-09. Review status: criteria provided, single submitter. Criteria: LabCorp Variant Classification Summary - May 2015. Collection method: clinical testing. Allele origin: germline.
Comment: Variant summary: The RAD51C c.859A>G (p.Thr287Ala) variant involves the alteration of a conserved nucleotide. 4/4 in silico tools predict a damaging outcome for this variant (SNPs&GO not captured due to low reliability index). This variant was found in 693/126274 control chromosomes (3 homozygotes) at a frequency of 0.0054881, which is approximately 88 times the estimated maximal expected allele frequency of a pathogenic RAD51C variant (0.0000625), suggesting this variant is likely a benign polymorphism. This variant has been reported in multiple cancer patients (including BrC, OvC, PcC) and some studies reported comparable frequencies of variant in case and controls. In addition, multiple clinical diagnostic laboratories/reputable databases classified this variant as benign, without evidence to independently evaluate. Complementation assays of T287A have shown that a normal number of RAD51C foci are formed. Cells survival is reduced by ~36% in chicken DT40 cells, which may not be replicated in mammalian cells or associated with the pathology of HBOC (Meindl_2010). Considering all evidence, this variant is classified as benign.

Genomic Diagnostic Laboratory, Division of Genomic Diagnostics, Children's Hospital of Philadelphia
Classification: Benign. Last evaluated: 2015-07-29. Review status: criteria provided, single submitter. Criteria: DGD Variant Analysis Guidelines. Collection method: clinical testing. Allele origin: unknown.

Ambry Genetics
Classification: Benign for Hereditary cancer-predisposing syndrome. Last evaluated: 2014-06-27. Review status: criteria provided, single submitter. Criteria: Ambry Variant Classification Scheme 2023. Collection method: clinical testing. Allele origin: germline.

GeneDx
Classification: Benign. Last evaluated: 2013-10-02. Review status: criteria provided, single submitter. Criteria: GeneDx Variant Classification (06012015). Collection method: clinical testing. Allele origin: germline. Affected: yes.
Comment: This variant is considered likely benign or benign based on one or more of the following criteria: it is a conservative change, it occurs at a poorly conserved position in the protein, it is predicted to be benign by multiple in silico algorithms, and/or has population frequency not consistent with disease.

Breakthrough Genomics
Classification: Likely benign. Review status: criteria provided, single submitter. Criteria: ACMG Guidelines, 2015. Collection method: not provided. Allele origin: germline. Inheritance: Autosomal recessive inheritance. Affected: yes.

Institute for Biomarker Research, Medical Diagnostic Laboratories, L.L.C.
Classification: Likely benign for Hereditary breast ovarian cancer syndrome. Last evaluated: 2021-09-27. Review status: no assertion criteria provided. Collection method: clinical testing. Allele origin: germline. Not counted in ClinVar's aggregate classification.